The following is an entry in ClinVar:

NM_152564.5(VPS13B):c.810del (p.Gln270fs)

Gene: VPS13B (vacuolar protein sorting 13 homolog B; plus strand). Cytogenetic location: 8q22.2.
Variant type: Deletion.
Coding change: c.810del on transcript NM_152564.5 (MANE Select); coding-DNA position 810, one base deleted (A; older notation c.810delA).
Protein change: p.Gln270fs; shifts the reading frame from glutamine 270.
Molecular consequence: frameshift variant. On other transcripts: non-coding transcript variant (1).
Genome position (GRCh38, 1-based): chr8:99,115,747, A deleted; the last of 2 consecutive A bases (chr8:99,115,746-99,115,747); deleting either gives the same sequence. VCF-style (leftmost placement, unchanged base first): chr8-99115745-CA-C. GRCh37 (hg19) VCF-style: chr8-100127973-CA-C.
Other names: c.810del, p.Gln270fs (NM_015243.3, NM_017890.5, NM_181661.3); short protein forms Q270fs.
Identifiers: ClinVar variation 4886442 (VCV004886442.2).

ClinVar aggregate classification (germline): Likely pathogenic (1 of 4 stars; one submission).

Submission:

Dasa
Classification: Likely pathogenic. Last evaluated: 2025-11-26. Review status: criteria provided, single submitter. Criteria: DASA Assertion Criteria. Collection method: clinical testing. Allele origin: germline.
Comment: NM_152564.5(VPS13B):c.810del (p.Gln270Hisfs*8) is a frameshift variant in VPS13B predicted to alter the reading frame and introduce a premature termination codon and is predicted to result in an absent or altered protein product. Loss of function is an established disease mechanism for VPS13B-associated disorders. Also, this variant is rare in population databases. Based on the currently available evidence, this variant is classified as likely pathogenic.